The following is an entry in ClinVar:

NM_000550.3(TYRP1):c.1261+5G>C

Genes: LURAP1L-AS1 (LURAP1L antisense RNA 1; minus strand), TYRP1 (tyrosinase related protein 1; plus strand). Cytogenetic location: 9p23.
Variant type: single nucleotide variant.
Coding change: c.1261+5G>C on transcript NM_000550.3 (MANE Select); 5 bases into the intron after coding-DNA position 1261, G replaced by C.
Molecular consequence: intron variant.
Genome position (GRCh38, 1-based): chr9:12,704,710, G>C. VCF-style: chr9-12704710-G-C. GRCh37 (hg19) VCF-style: chr9-12704710-G-C.
Identifiers: ClinVar variation 1379944 (VCV001379944.3), dbSNP rs772881031, ClinGen allele CA586637150.

ClinVar aggregate classification (germline): Uncertain significance (1 of 4 stars; one submission).

Allele frequency attached by ClinVar (database versions not stated): gnomAD 0.00001; TOPMed 0.00001.

Submission:

Labcorp Genetics (formerly Invitae), Labcorp
Classification: Uncertain significance. Last evaluated: 2022-03-16. Review status: criteria provided, single submitter. Criteria: Invitae Variant Classification Sherloc (09022015). Collection method: clinical testing. Allele origin: germline.
Comment: This sequence change falls in intron 6 of the TYRP1 gene. It does not directly change the encoded amino acid sequence of the TYRP1 protein. It affects a nucleotide within the consensus splice site. This variant is present in population databases (no rsID available, gnomAD 0.0009%). This variant has not been reported in the literature in individuals affected with TYRP1-related conditions. Variants that disrupt the consensus splice site are a relatively common cause of aberrant splicing (PMID: 17576681, 9536098). Algorithms developed to predict the effect of sequence changes on RNA splicing suggest that this variant is not likely to affect RNA splicing. In summary, the available evidence is currently insufficient to determine the role of this variant in disease. Therefore, it has been classified as a Variant of Uncertain Significance.

Literature cited by the submitters: PubMed 17576681; PubMed 9536098.